The following is an entry in ClinVar:

NM_015557.3(CHD5):c.4280G>A (p.Arg1427Gln)

Gene: CHD5 (chromodomain helicase DNA binding protein 5; minus strand). Cytogenetic location: 1p36.31.
Variant type: single nucleotide variant.
Coding change: c.4280G>A on transcript NM_015557.3 (MANE Select); coding-DNA position 4280, G replaced by A.
Protein change: p.Arg1427Gln; replaces arginine 1427 with glutamine.
Molecular consequence: missense variant.
Genome position (GRCh38, 1-based): chr1:6,125,214, C>T on the plus strand (G>A on the coding strand, the complement: CHD5 is on the minus strand). VCF-style: chr1-6125214-C-T. GRCh37 (hg19) VCF-style: chr1-6185274-C-T.
Other names: short protein forms R1427Q.
Identifiers: ClinVar variation 1313696 (VCV001313696.7), dbSNP rs1156910848, ClinGen allele CA338072586.

ClinVar aggregate classification (germline): Uncertain significance (1 of 4 stars; one submission).

Allele frequency attached by ClinVar (database versions not stated): gnomAD exomes below 0.00001.
gnomAD v4.1: 1 of 1,601,522 alleles (0.000062%); highest among the groups gnomAD compares: Non-Finnish European, 0.000085%; no homozygotes.

Submission:

GeneDx
Classification: Uncertain significance. Last evaluated: 2025-12-19. Review status: criteria provided, single submitter. Criteria: GeneDx Variant Classification Process June 2021. Collection method: clinical testing. Allele origin: germline. Affected: yes.
Comment: De novo variant with confirmed parentage in patients referred for genetic testing at GeneDx; Not observed at significant frequency in large population cohorts (gnomAD); In silico analysis supports that this missense variant has a deleterious effect on protein structure/function; Has not been previously published as pathogenic or benign to our knowledge